The following is an entry in ClinVar:

NM_024675.4(PALB2):c.3311G>T (p.Gly1104Val)

Gene: PALB2 (partner and localizer of BRCA2; minus strand). Cytogenetic location: 16p12.2.
Variant type: single nucleotide variant.
Coding change: c.3311G>T on transcript NM_024675.4 (MANE Select); coding-DNA position 3311, G replaced by T.
Protein change: p.Gly1104Val; replaces glycine 1104 with valine.
Molecular consequence: missense variant.
Genome position (GRCh38, 1-based): chr16:23,607,903, C>A on the plus strand (G>T on the coding strand, the complement: PALB2 is on the minus strand). VCF-style: chr16-23607903-C-A. GRCh37 (hg19) VCF-style: chr16-23619224-C-A.
Other names: short protein forms G1104V.
Identifiers: ClinVar variation 410203 (VCV000410203.12), dbSNP rs1060502798, ClinGen allele CA16614810.

ClinVar aggregate classification (germline): Uncertain significance. Review status: criteria provided, multiple submitters, no conflicts (2 of 4 stars). 2 submissions from 2 submitters: Uncertain significance (2). Last evaluated 2024-06-09.

Conditions:
Familial cancer of breast. Also called: BREAST CANCER, FAMILIAL; Hereditary breast cancer; hereditary breast carcinoma. Identifiers: Orphanet 227535, MedGen C0346153, MONDO:0016419, OMIM 114480. Disease mechanism: loss of function.
Hereditary cancer-predisposing syndrome. Also called: Tumor predisposition; Hereditary Cancer Syndrome; Hereditary neoplastic syndrome; Neoplastic Syndromes, Hereditary. Identifiers: Orphanet 140162, MedGen C0027672, MeSH D009386, MONDO:0015356.

gnomAD v4.1: 2 of 1,614,072 alleles (0.00012%); highest among the groups gnomAD compares: Non-Finnish European, 0.00017%; no homozygotes.

Submissions (2):

Ambry Genetics
Classification: Uncertain significance for Hereditary cancer-predisposing syndrome. Last evaluated: 2024-06-09. Review status: criteria provided, single submitter. Criteria: Ambry Variant Classification Scheme 2023. Collection method: clinical testing. Allele origin: germline.
Comment: The p.G1104V variant (also known as c.3311G>T), located in coding exon 12 of the PALB2 gene, results from a G to T substitution at nucleotide position 3311. The glycine at codon 1104 is replaced by valine, an amino acid with dissimilar properties. This amino acid position is conserved. In addition, this alteration is predicted to be tolerated by in silico analysis. Based on the available evidence, the clinical significance of this variant remains unclear.

Labcorp Genetics (formerly Invitae), Labcorp
Classification: Uncertain significance for Familial cancer of breast. Last evaluated: 2024-01-01. Review status: criteria provided, single submitter. Criteria: Invitae Variant Classification Sherloc (09022015). Collection method: clinical testing. Allele origin: germline.
Comment: This sequence change replaces glycine, which is neutral and non-polar, with valine, which is neutral and non-polar, at codon 1104 of the PALB2 protein (p.Gly1104Val). This variant is not present in population databases (gnomAD no frequency). This variant has not been reported in the literature in individuals affected with PALB2-related conditions. ClinVar contains an entry for this variant (Variation ID: 410203). An algorithm developed to predict the effect of missense changes on protein structure and function (PolyPhen-2) suggests that this variant is likely to be disruptive. In summary, the available evidence is currently insufficient to determine the role of this variant in disease. Therefore, it has been classified as a Variant of Uncertain Significance.